The following is an entry in ClinVar:

NM_012073.5(CCT5):c.57C>G (p.Ile19Met)

Gene: CCT5 (chaperonin containing TCP1 subunit 5; plus strand). Cytogenetic location: 5p15.2.
Variant type: single nucleotide variant.
Coding change: c.57C>G on transcript NM_012073.5 (MANE Select); coding-DNA position 57, C replaced by G.
Protein change: p.Ile19Met; replaces isoleucine 19 with methionine.
Molecular consequence: missense variant. On other transcripts: intron variant (1).
Genome position (GRCh38, 1-based): chr5:10,250,397, C>G. VCF-style: chr5-10250397-C-G. GRCh37 (hg19) VCF-style: chr5-10250509-C-G.
Other names: c.57C>G, p.Ile19Met (NM_001306154.2); c.42+352C>G (NM_001306153.1); c.57C>G (NM_012073.4); short protein forms I19M.
Identifiers: ClinVar variation 1952803 (VCV001952803.6), dbSNP rs2477397404, ClinGen allele CA359179254.

ClinVar aggregate classification (germline): Uncertain significance. Review status: criteria provided, single submitter (1 of 4 stars). 2 submissions from 2 submitters: Uncertain significance (1). 1 of the submissions does not count toward it. Last evaluated 2024-03-11.

Conditions:
CCT5-related disorder. Also called: CCT5-related condition.
Hereditary sensory and autonomic neuropathy with spastic paraplegia (HSNSP). Identifiers: Orphanet 139578, MedGen C1850395, MONDO:0009748, OMIM 256840.

Submissions (2):

Labcorp Genetics (formerly Invitae), Labcorp
Classification: Uncertain significance for Hereditary sensory and autonomic neuropathy with spastic paraplegia. Last evaluated: 2024-03-11. Review status: criteria provided, single submitter. Criteria: Invitae Variant Classification Sherloc (09022015). Collection method: clinical testing. Allele origin: germline.
Comment: This sequence change replaces isoleucine, which is neutral and non-polar, with methionine, which is neutral and non-polar, at codon 19 of the CCT5 protein (p.Ile19Met). This variant is not present in population databases (gnomAD no frequency). This variant has not been reported in the literature in individuals affected with CCT5-related conditions. ClinVar contains an entry for this variant (Variation ID: 1952803). An algorithm developed to predict the effect of missense changes on protein structure and function (PolyPhen-2) suggests that this variant is likely to be tolerated. In summary, the available evidence is currently insufficient to determine the role of this variant in disease. Therefore, it has been classified as a Variant of Uncertain Significance.

PreventionGenetics, part of Exact Sciences
Classification: Uncertain significance for CCT5-related condition. Last evaluated: 2024-06-09. Review status: no assertion criteria provided. Collection method: clinical testing. Allele origin: germline. Not counted in ClinVar's aggregate classification.
Comment: The CCT5 c.57C>G variant is predicted to result in the amino acid substitution p.Ile19Met. To our knowledge, this variant has not been reported in the literature or in a large population database, indicating this variant is rare. At this time, the clinical significance of this variant is uncertain due to the absence of conclusive functional and genetic evidence.